The following is an entry in ClinVar:

ClinVar aggregate classification (germline): Uncertain significance (1 of 4 stars; one submission).

Submission:

GeneDx
Classification: Uncertain significance. Last evaluated: 2026-04-22. Review status: criteria provided, single submitter. Criteria: GeneDx Variant Classification Process June 2021. Collection method: clinical testing. Allele origin: germline.
Comment: Not observed at significant frequency in large population cohorts (gnomAD); In silico analysis suggests that this missense variant does not alter protein structure/function; Has not been previously published as pathogenic or benign to our knowledge

NM_130839.5(UBE3A):c.181G>A (p.Asp61Asn)

Genes: SNHG14 (small nucleolar RNA host gene 14; plus strand), UBE3A (ubiquitin protein ligase E3A; minus strand). Cytogenetic location: 15q11.2.
Variant type: single nucleotide variant.
Coding change: c.181G>A on transcript NM_130839.5 (MANE Select); coding-DNA position 181, G replaced by A.
Protein change: p.Asp61Asn; replaces aspartic acid 61 with asparagine.
Molecular consequence: missense variant. On other transcripts: non-coding transcript variant (1).
Genome position (GRCh38, 1-based): chr15:25,375,645, C>T on the plus strand (G>A on the coding strand, the complement: UBE3A is on the minus strand). VCF-style: chr15-25375645-C-T. GRCh37 (hg19) VCF-style: chr15-25620792-C-T.
Other names: c.190G>A, p.Asp64Asn (NM_000462.5); c.181G>A, p.Asp61Asn (NM_001354505.1, NM_001354538.2, NM_001354545.2 and 1 more transcripts); c.121G>A, p.Asp41Asn (NM_001354506.2, NM_001354507.2, NM_001354508.2 and 18 more transcripts); c.4G>A, p.Asp2Asn (NM_001354546.2); short protein forms D2N, D41N, D61N, D64N.
Identifiers: ClinVar variation 5037582 (VCV005037582.1).